The following is an entry in ClinVar:

ClinVar aggregate classification (germline): Uncertain significance (1 of 4 stars; one submission).

Submission:

Labcorp Genetics (formerly Invitae), Labcorp
Classification: Uncertain significance. Last evaluated: 2022-02-04. Review status: criteria provided, single submitter. Criteria: Invitae Variant Classification Sherloc (09022015). Collection method: clinical testing. Allele origin: germline.
Comment: This sequence change falls in intron 16 of the STAG2 gene. It does not directly change the encoded amino acid sequence of the STAG2 protein. It affects a nucleotide within the consensus splice site. This variant is not present in population databases (gnomAD no frequency). This variant has not been reported in the literature in individuals affected with STAG2-related conditions. Variants that disrupt the consensus splice site are a relatively common cause of aberrant splicing (PMID: 17576681, 9536098). Algorithms developed to predict the effect of sequence changes on RNA splicing suggest that this variant is not likely to affect RNA splicing. In summary, the available evidence is currently insufficient to determine the role of this variant in disease. Therefore, it has been classified as a Variant of Uncertain Significance.

Literature cited by the submitters: PubMed 17576681; PubMed 9536098.

NM_001042750.2(STAG2):c.1535-3_1535-2insTTTA

Gene: STAG2 (STAG2 cohesin complex component; plus strand). Cytogenetic location: Xq25.
Variant type: Insertion.
Coding change: c.1535-3_1535-2insTTTA on transcript NM_001042750.2 (MANE Select); 3 bases into the intron before coding-DNA position 1535 through the canonical splice acceptor site of the intron before coding-DNA position 1535, TTTA inserted.
Molecular consequence: splice acceptor variant.
Genome position: GRCh38 VCF-style: chrX-124061768-T-TTTTA. GRCh37 (hg19) VCF-style: chrX-123195618-T-TTTTA.
Other names: c.1535-3_1535-2insTTTA (NM_001042749.2, NM_001375366.1, NM_001375373.1 and 13 more transcripts).
Identifiers: ClinVar variation 1485331 (VCV001485331.6), dbSNP rs1556534407, ClinGen allele CA1137016831.